The following is an entry in ClinVar:

ClinVar aggregate classification (germline): Uncertain significance (1 of 4 stars; one submission).

Conditions:
Combined immunodeficiency due to STIM1 deficiency. Also called: STIM1 DEFICIENCY; IMMUNODEFICIENCY 10. Identifiers: Orphanet 169090, Orphanet 317430, MedGen C2748557, MONDO:0013008, OMIM 612783.
Stormorken syndrome (STRMK). Also called: THROMBOCYTOPATHY, ASPLENIA, AND MIOSIS. Identifiers: Orphanet 3204, MedGen C1861451, MONDO:0008497, OMIM 185070.
Myopathy with tubular aggregates (TAM). Also called: Tubular Aggregate Myopathy. Identifiers: Orphanet 2593, MedGen C0410207, MONDO:0008051.

gnomAD v4.1: 10 of 1,613,648 alleles (0.00062%); highest among the groups gnomAD compares: African/African-American, 0.004%; no homozygotes.

Submission:

Labcorp Genetics (formerly Invitae), Labcorp
Classification: Uncertain significance for Myopathy with tubular aggregates; Combined immunodeficiency due to STIM1 deficiency; Stormorken syndrome. Last evaluated: 2024-05-15. Review status: criteria provided, single submitter. Criteria: Invitae Variant Classification Sherloc (09022015). Collection method: clinical testing. Allele origin: germline.
Comment: This sequence change replaces glutamic acid, which is acidic and polar, with lysine, which is basic and polar, at codon 663 of the STIM1 protein (p.Glu663Lys). This variant is present in population databases (rs763770274, gnomAD 0.008%). This variant has not been reported in the literature in individuals affected with STIM1-related conditions. Advanced modeling of protein sequence and biophysical properties (such as structural, functional, and spatial information, amino acid conservation, physicochemical variation, residue mobility, and thermodynamic stability) has been performed at Invitae for this missense variant, however the output from this modeling did not meet the statistical confidence thresholds required to predict the impact of this variant on STIM1 protein function. In summary, the available evidence is currently insufficient to determine the role of this variant in disease. Therefore, it has been classified as a Variant of Uncertain Significance.

NM_001382567.1(STIM1):c.2080G>A (p.Glu694Lys)

Genes: STIM1 (stromal interaction molecule 1; plus strand), LOC124418421 (Sharpr-MPRA regulatory region 9588; plus strand). Cytogenetic location: 11p15.4.
Variant type: single nucleotide variant.
Coding change: c.2080G>A on transcript NM_001382567.1 (MANE Select); coding-DNA position 2080, G replaced by A.
Protein change: p.Glu694Lys; replaces glutamic acid 694 with lysine.
Molecular consequence: missense variant. On other transcripts: 3 prime UTR variant (4), non-coding transcript variant (3).
Genome position (GRCh38, 1-based): chr11:4,091,727, G>A. VCF-style: chr11-4091727-G-A. GRCh37 (hg19) VCF-style: chr11-4112957-G-A.
Other names: c.2083G>A, p.Glu695Lys (NM_001382566.1); c.2008G>A, p.Glu670Lys (NM_001382568.1); c.1852G>A, p.Glu618Lys (NM_001382569.1); c.1759G>A, p.Glu587Lys (NM_001382570.1); c.1507G>A, p.Glu503Lys (NM_001382571.1); c.1765G>A, p.Glu589Lys (NM_001382575.1, NM_001382576.1, NM_001382577.1); c.*401G>A (NM_001382578.1, NM_001277962.2, NM_001382579.1 and 1 more transcripts); c.2305G>A, p.Glu769Lys (NM_001277961.3); and 2 more; short protein forms E500K, E503K, E587K, E589K, E618K, E663K, E670K, E694K.
Identifiers: ClinVar variation 3758469 (VCV003758469.2).